The following is an entry in ClinVar:

ClinVar aggregate classification (germline): Uncertain significance. Review status: criteria provided, multiple submitters, no conflicts (2 of 4 stars). 2 submissions from 2 submitters: Uncertain significance (2). Last evaluated 2025-10-18.

Conditions:
Inborn genetic diseases. Identifiers: MedGen C0950123, MeSH D030342.
Autosomal dominant childhood-onset proximal spinal muscular atrophy with contractures (SMALED2A). Also called: SPINAL MUSCULAR ATROPHY, LOWER EXTREMITY-PREDOMINANT, 2A, CHILDHOOD ONSET, AUTOSOMAL DOMINANT; Spinal muscular atrophy, lower extremity-predominant, 2A, autosomal dominant. Identifiers: Orphanet 363447, Orphanet 363454, MedGen C4747715, MONDO:0014121, OMIM 615290.

Allele frequency attached by ClinVar (database versions not stated): gnomAD exomes 0.00001 and 0.00002; ExAC 0.00002.
gnomAD v4.1: 27 of 1,614,134 alleles (0.0017%); highest among the groups gnomAD compares: Non-Finnish European, 0.0022%; no homozygotes.

Submissions (2):

Ambry Genetics
Classification: Uncertain significance for Inborn genetic diseases. Last evaluated: 2025-10-18. Review status: criteria provided, single submitter. Criteria: Ambry Variant Classification Scheme 2023. Collection method: clinical testing. Allele origin: germline.

Labcorp Genetics (formerly Invitae), Labcorp
Classification: Uncertain significance for Autosomal dominant childhood-onset proximal spinal muscular atrophy with contractures. Last evaluated: 2021-11-02. Review status: criteria provided, single submitter. Criteria: Invitae Variant Classification Sherloc (09022015). Collection method: clinical testing. Allele origin: germline.
Comment: Advanced modeling of protein sequence and biophysical properties (such as structural, functional, and spatial information, amino acid conservation, physicochemical variation, residue mobility, and thermodynamic stability) performed at Invitae indicates that this missense variant is not expected to disrupt BICD2 protein function. This sequence change replaces serine, which is neutral and polar, with tyrosine, which is neutral and polar, at codon 329 of the BICD2 protein (p.Ser329Tyr). This variant is present in population databases (rs761526161, gnomAD 0.002%). This variant has not been reported in the literature in individuals affected with BICD2-related conditions. In summary, the available evidence is currently insufficient to determine the role of this variant in disease. Therefore, it has been classified as a Variant of Uncertain Significance.

NM_001003800.2(BICD2):c.986C>A (p.Ser329Tyr)

Gene: BICD2 (BICD cargo adaptor 2; minus strand). Cytogenetic location: 9q22.31.
Variant type: single nucleotide variant.
Coding change: c.986C>A on transcript NM_001003800.2 (MANE Select); coding-DNA position 986, C replaced by A.
Protein change: p.Ser329Tyr; replaces serine 329 with tyrosine.
Molecular consequence: missense variant.
Genome position (GRCh38, 1-based): chr9:92,720,376, G>T on the plus strand (C>A on the coding strand, the complement: BICD2 is on the minus strand). VCF-style: chr9-92720376-G-T. GRCh37 (hg19) VCF-style: chr9-95482658-G-T.
Other names: c.986C>A, p.Ser329Tyr (NM_015250.4); c.986C>A (NM_001003800.1); short protein forms S329Y.
Identifiers: ClinVar variation 1350811 (VCV001350811.7), dbSNP rs761526161, ClinGen allele CA5126681.